The following is an entry in ClinVar:

NM_053013.4(ENO3):c.310+13C>T

Gene: ENO3 (enolase 3; plus strand). Cytogenetic location: 17p13.2.
Variant type: single nucleotide variant.
Coding change: c.310+13C>T on transcript NM_053013.4 (MANE Select); 13 bases into the intron after coding-DNA position 310, C replaced by T.
Molecular consequence: intron variant.
Genome position (GRCh38, 1-based): chr17:4,953,354, C>T. VCF-style: chr17-4953354-C-T. GRCh37 (hg19) VCF-style: chr17-4856649-C-T.
Other names: c.310+13C>T (NM_001976.5); c.182-358C>T (NM_001193503.2).
Identifiers: ClinVar variation 386601 (VCV000386601.2), dbSNP rs371895662, ClinGen allele CA8316249.

ClinVar aggregate classification (germline): Likely benign. Review status: criteria provided, multiple submitters, no conflicts (2 of 4 stars). 2 submissions from 2 submitters: Likely benign (2). Last evaluated 2025-09-15.

Conditions:
Glycogen storage disease due to muscle beta-enolase deficiency (GSD13). Also called: ENOLASE 3 DEFICIENCY; ENOLASE-BETA DEFICIENCY; GSD XIII; Glycogen Storage Disease Type XIII. Identifiers: Orphanet 99849, MedGen C2752027, MONDO:0013046, OMIM 612932.

Allele frequency attached by ClinVar (database versions not stated): TOPMed below 0.00001; gnomAD 0.00001; gnomAD exomes 0.00002; ExAC 0.00003; ESP Exome Variant Server 0.00015.

Submissions (2):

Labcorp Genetics (formerly Invitae), Labcorp
Classification: Likely benign for Glycogen storage disease due to muscle beta-enolase deficiency. Last evaluated: 2025-09-15. Review status: criteria provided, single submitter. Criteria: Invitae Variant Classification Sherloc (09022015). Collection method: clinical testing. Allele origin: germline.

GeneDx
Classification: Likely benign. Last evaluated: 2016-06-10. Review status: criteria provided, single submitter. Criteria: GeneDx Variant Classification (06012015). Collection method: clinical testing. Allele origin: germline. Affected: yes.
Comment: This variant is considered likely benign or benign based on one or more of the following criteria: it is a conservative change, it occurs at a poorly conserved position in the protein, it is predicted to be benign by multiple in silico algorithms, and/or has population frequency not consistent with disease.